The following is an entry in ClinVar:

ClinVar aggregate classification (germline): Uncertain significance (1 of 4 stars; one submission).

Conditions:
Microcephaly-intellectual disability-sensorineural hearing loss-epilepsy-abnormal muscle tone syndrome (NEDHSB). Also called: NEURODEVELOPMENTAL DISORDER WITH HEARING LOSS, SEIZURES, AND BRAIN ABNORMALITIES. Identifiers: Orphanet 457351, MedGen C4225276, MONDO:0014698, OMIM 616577.

Allele frequency attached by ClinVar (database versions not stated): TOPMed 0.00002.
gnomAD v4.1: 5 of 1,608,088 alleles (0.00031%); highest among the groups gnomAD compares: African/African-American, 0.0067%; no homozygotes.

Submission:

Labcorp Genetics (formerly Invitae), Labcorp
Classification: Uncertain significance for Microcephaly-intellectual disability-sensorineural hearing loss-epilepsy-abnormal muscle tone syndrome. Last evaluated: 2024-02-17. Review status: criteria provided, single submitter. Criteria: Invitae Variant Classification Sherloc (09022015). Collection method: clinical testing. Allele origin: germline.
Comment: This sequence change replaces serine, which is neutral and polar, with threonine, which is neutral and polar, at codon 360 of the SPATA5 protein (p.Ser360Thr). This variant is not present in population databases (gnomAD no frequency). This variant has not been reported in the literature in individuals affected with SPATA5-related conditions. ClinVar contains an entry for this variant (Variation ID: 1361899). Advanced modeling of protein sequence and biophysical properties (such as structural, functional, and spatial information, amino acid conservation, physicochemical variation, residue mobility, and thermodynamic stability) performed at Invitae indicates that this missense variant is not expected to disrupt SPATA5 protein function with a negative predictive value of 95%. In summary, the available evidence is currently insufficient to determine the role of this variant in disease. Therefore, it has been classified as a Variant of Uncertain Significance.

NM_145207.3(AFG2A):c.1079G>C (p.Ser360Thr)

Gene: AFG2A (AAA ATPase AFG2A; plus strand). Cytogenetic location: 4q28.1.
Variant type: single nucleotide variant.
Coding change: c.1079G>C on transcript NM_145207.3 (MANE Select); coding-DNA position 1079, G replaced by C.
Protein change: p.Ser360Thr; replaces serine 360 with threonine.
Molecular consequence: missense variant.
Genome position (GRCh38, 1-based): chr4:122,934,670, G>C. VCF-style: chr4-122934670-G-C. GRCh37 (hg19) VCF-style: chr4-123855825-G-C.
Other names: c.1076G>C, p.Ser359Thr (NM_001317799.2, NM_001345856.2); short protein forms S359T, S360T.
Identifiers: ClinVar variation 1361899 (VCV001361899.5), dbSNP rs1019101272, ClinGen allele CA104813653.